The following is an entry in ClinVar:

ClinVar aggregate classification (germline): Uncertain significance (1 of 4 stars; one submission).

Conditions:
Cardiovascular phenotype. Identifiers: MedGen CN230736.

gnomAD v4.1: 3 of 1,614,140 alleles (0.00019%); highest among the groups gnomAD compares: Admixed American, 0.0017%; no homozygotes.

Submission:

Ambry Genetics
Classification: Uncertain significance for Cardiovascular phenotype. Last evaluated: 2025-01-10. Review status: criteria provided, single submitter. Criteria: Ambry Variant Classification Scheme 2023. Collection method: clinical testing. Allele origin: germline.
Comment: The p.L3350P variant (also known as c.10049T>C), located in coding exon 26 of the APOB gene, results from a T to C substitution at nucleotide position 10049. The leucine at codon 3350 is replaced by proline, an amino acid with similar properties. This amino acid position is conserved. In addition, this alteration is predicted to be deleterious by in silico analysis. Based on the available evidence, the clinical significance of this variant remains unclear.

NM_000384.3(APOB):c.10049T>C (p.Leu3350Pro)

Gene: APOB (apolipoprotein B; minus strand). Cytogenetic location: 2p24.1.
Variant type: single nucleotide variant.
Coding change: c.10049T>C on transcript NM_000384.3 (MANE Select); coding-DNA position 10049, T replaced by C.
Protein change: p.Leu3350Pro; replaces leucine 3350 with proline.
Molecular consequence: missense variant.
Genome position (GRCh38, 1-based): chr2:21,006,819, A>G on the plus strand (T>C on the coding strand, the complement: APOB is on the minus strand). VCF-style: chr2-21006819-A-G. GRCh37 (hg19) VCF-style: chr2-21229691-A-G.
Other names: short protein forms L3350P.
Identifiers: ClinVar variation 3885162 (VCV003885162.1).